The following is an entry in ClinVar:

NM_001164508.2(NEB):c.11254C>T (p.Gln3752Ter)

Gene: NEB (nebulin; minus strand). Cytogenetic location: 2q23.3.
Variant type: single nucleotide variant.
Coding change: c.11254C>T on transcript NM_001164508.2 (MANE Select); coding-DNA position 11254, C replaced by T.
Protein change: p.Gln3752Ter; replaces glutamine 3752 with a stop codon.
Molecular consequence: nonsense.
Genome position (GRCh38, 1-based): chr2:151,616,037, G>A on the plus strand (C>T on the coding strand, the complement: NEB is on the minus strand). VCF-style: chr2-151616037-G-A. GRCh37 (hg19) VCF-style: chr2-152472551-G-A.
Other names: c.10525C>T, p.Gln3509Ter (NM_004543.5); c.11254C>T, p.Gln3752Ter (NM_001164507.2, NM_001271208.2); short protein forms Q3509*, Q3752*.
Identifiers: ClinVar variation 1726841 (VCV001726841.2), dbSNP rs2552230660, ClinGen allele CA348783821.

ClinVar aggregate classification (germline): Likely pathogenic (1 of 4 stars; one submission).

Conditions:
Nemaline myopathy 2 (NEM2). Also called: Nemaline myopathy 2, autosomal recessive. Identifiers: MedGen C1850569, MONDO:0009725, OMIM 256030.

Submission:

Myriad Genetics, Inc.
Classification: Likely pathogenic for Nemaline myopathy 2. Last evaluated: 2022-01-02. Review status: criteria provided, single submitter. Criteria: Myriad Women's Health Autosomal Recessive and X-Linked Classification Criteria (2021). Collection method: clinical testing. Allele origin: unknown.
Comment: NM_001271208.1(NEB):c.11254C>T(Q3752*) is expected to be pathogenic in the context of NEB-related nemaline myopathy. This variant is predicted to lead to an abnormal or absent protein product due to the creation of a premature termination codon in NEB, a gene where loss-of-function variants are known to be pathogenic. Please note: this variant was assessed in the context of healthy population screening.